The following is an entry in ClinVar:

NM_001267550.2(TTN):c.38681A>G (p.Lys12894Arg)

Gene: TTN (titin; minus strand). Cytogenetic location: 2q31.2.
Variant type: single nucleotide variant.
Coding change: c.38681A>G on transcript NM_001267550.2 (MANE Select); coding-DNA position 38681, A replaced by G.
Protein change: p.Lys12894Arg; replaces lysine 12894 with arginine.
Molecular consequence: missense variant. On other transcripts: intron variant (5).
Genome position (GRCh38, 1-based): chr2:178,653,453, T>C on the plus strand (A>G on the coding strand, the complement: TTN is on the minus strand). VCF-style: chr2-178653453-T-C. GRCh37 (hg19) VCF-style: chr2-179518180-T-C.
Other names: c.13283-11136A>G (NM_003319.4); c.13859-11136A>G (NM_133437.4); c.13658-11136A>G (NM_133432.3); c.31742-912A>G (NM_133378.4); c.34523-912A>G (NM_001256850.1); short protein forms K12894R.
Identifiers: ClinVar variation 467099 (VCV000467099.5), dbSNP rs574694398, ClinGen allele CA1997103.

ClinVar aggregate classification (germline): Uncertain significance. Review status: criteria provided, multiple submitters, no conflicts (2 of 4 stars). 3 submissions from 3 submitters: Uncertain significance (3). Last evaluated 2025-12-01.

Conditions:
TTN-related disorder. Also called: TTN-related condition; TTN-related disease; TTN-related disorders.
Autosomal recessive limb-girdle muscular dystrophy type 2J (LGMDR10). Also called: Limb-girdle muscular dystrophy, type 2J; MUSCULAR DYSTROPHY, LIMB-GIRDLE, AUTOSOMAL RECESSIVE 10. Identifiers: Orphanet 140922, MedGen C1837342, MONDO:0012127, OMIM 608807.
Dilated cardiomyopathy 1G (CMD1G). Identifiers: Orphanet 154, MedGen C1858763, MONDO:0011400, OMIM 604145.
Hypertrophic cardiomyopathy 9. Also called: Familial hypertrophic cardiomyopathy 9. Identifiers: MedGen C1861065, MONDO:0013412, OMIM 613765.
Myopathy, myofibrillar, 9, with early respiratory failure (MFM9). Also called: Hereditary myopathy with early respiratory failure; MYOPATHY, PROXIMAL, WITH EARLY RESPIRATORY MUSCLE INVOLVEMENT; EDSTROM MYOPATHY; Myopathy, distal, with early respiratory failure, autosomal dominant. Identifiers: Orphanet 178464, Orphanet 34521, MedGen C1863599, MONDO:0011362, OMIM 603689.
Tibial muscular dystrophy (TMD). Also called: Udd Distal Myopathy – Tibial Muscular Dystrophy; UDD MYOPATHY; Tibial muscular dystrophy, tardive. Identifiers: Orphanet 609, MedGen C1838244, MONDO:0010870, OMIM 600334.
Early-onset myopathy with fatal cardiomyopathy (CMYO5). Also called: Salih Myopathy; CONGENITAL MYOPATHY 5 WITH CARDIOMYOPATHY. Identifiers: Orphanet 289377, MedGen C2673677, MONDO:0012714, OMIM 611705. Disease mechanism: loss of function.

Allele frequency attached by ClinVar (database versions not stated): ExAC below 0.00001; gnomAD exomes 0.00003; 1000 Genomes Project 30x 0.00031; 1000 Genomes Project 0.00040.

Submissions (3):

PreventionGenetics, part of Exact Sciences
Classification: Uncertain significance for TTN-related condition. Last evaluated: 2025-12-01. Review status: criteria provided, single submitter. Criteria: ACMG Guidelines, 2015. Collection method: clinical testing. Allele origin: germline.
Comment: The TTN c.38681A>G variant is predicted to result in the amino acid substitution p.Lys12894Arg. To our knowledge, this variant has not been reported in the literature. This variant is reported in 0.059% of alleles in individuals of African descent in gnomAD. Although we suspect that this variant may be benign, at this time, the clinical significance of this variant is uncertain due to the absence of conclusive functional and genetic evidence.

Fulgent Genetics
Classification: Uncertain significance for Tibial muscular dystrophy; Myopathy, myofibrillar, 9, with early respiratory failure; Dilated cardiomyopathy 1G; Autosomal recessive limb-girdle muscular dystrophy type 2J; Early-onset myopathy with fatal cardiomyopathy; Hypertrophic cardiomyopathy 9. Last evaluated: 2021-08-18. Review status: criteria provided, single submitter. Criteria: ACMG Guidelines, 2015. Collection method: clinical testing. Allele origin: unknown.

Labcorp Genetics (formerly Invitae), Labcorp
Classification: Uncertain significance for Dilated cardiomyopathy 1G; Autosomal recessive limb-girdle muscular dystrophy type 2J. Last evaluated: 2017-05-30. Review status: criteria provided, single submitter. Criteria: Invitae Variant Classification Sherloc (09022015). Collection method: clinical testing. Allele origin: germline.